The following is an entry in ClinVar:

NM_006015.6(ARID1A):c.501C>T (p.Ala167=)

Gene: ARID1A (AT-rich interaction domain 1A; plus strand). Cytogenetic location: 1p36.11.
Variant type: single nucleotide variant.
Coding change: c.501C>T on transcript NM_006015.6 (MANE Select); coding-DNA position 501, C replaced by T.
Protein change: p.Ala167=; no amino-acid change (alanine 167 retained).
Molecular consequence: synonymous variant.
Genome position (GRCh38, 1-based): chr1:26,696,904, C>T. VCF-style: chr1-26696904-C-T. GRCh37 (hg19) VCF-style: chr1-27023395-C-T.
Other names: c.501C>T, p.Ala167= (NM_139135.4).
Identifiers: ClinVar variation 2729461 (VCV002729461.5), dbSNP rs754018917, ClinGen allele CA706603.

ClinVar aggregate classification (germline): Benign. Review status: criteria provided, single submitter (1 of 4 stars). 2 submissions from 2 submitters: Benign (1). 1 of the submissions does not count toward it. Last evaluated 2024-11-27.

Conditions:
ARID1A-related disorder. Also called: ARID1A-related condition.

Allele frequency attached by ClinVar (database versions not stated): gnomAD 0.00008; ExAC 0.00056.

Submissions (2):

Labcorp Genetics (formerly Invitae), Labcorp
Classification: Benign. Last evaluated: 2024-11-27. Review status: criteria provided, single submitter. Criteria: Invitae Variant Classification Sherloc (09022015). Collection method: clinical testing. Allele origin: germline.

PreventionGenetics, part of Exact Sciences
Classification: Likely benign for ARID1A-related condition. Last evaluated: 2023-10-17. Review status: no assertion criteria provided. Collection method: clinical testing. Allele origin: germline. Not counted in ClinVar's aggregate classification.
Comment: This variant is classified as likely benign based on ACMG/AMP sequence variant interpretation guidelines (Richards et al. 2015 PMID: 25741868, with internal and published modifications).